The following is an entry in ClinVar:

NM_007294.4(BRCA1):c.2707T>C (p.Cys903Arg)

Gene: BRCA1 (BRCA1 DNA repair associated; minus strand). Cytogenetic location: 17q21.31.
Variant type: single nucleotide variant.
Coding change: c.2707T>C on transcript NM_007294.4 (MANE Select); coding-DNA position 2707, T replaced by C.
Protein change: p.Cys903Arg; replaces cysteine 903 with arginine.
Molecular consequence: missense variant. On other transcripts: intron variant (137).
Genome position (GRCh38, 1-based): chr17:43,092,824, A>G on the plus strand (T>C on the coding strand, the complement: BRCA1 is on the minus strand). VCF-style: chr17-43092824-A-G. GRCh37 (hg19) VCF-style: chr17-41244841-A-G.
Other names: c.2707T>C, p.Cys903Arg (NM_001407602.1, NM_001407603.1, NM_001407605.1 and 30 more transcripts); c.2704T>C, p.Cys902Arg (NM_001407610.1, NM_001407611.1, NM_001407612.1 and 22 more transcripts); c.2698T>C, p.Cys900Arg (NM_001407646.1, NM_001407647.1); c.2584T>C, p.Cys862Arg (NM_001407648.1, NM_001407664.1, NM_001407665.1 and 19 more transcripts); c.2581T>C, p.Cys861Arg (NM_001407649.1, NM_001407670.1, NM_001407671.1 and 11 more transcripts); c.2629T>C, p.Cys877Arg (NM_001407653.1, NM_001407654.1, NM_001407655.1 and 4 more transcripts); c.2626T>C, p.Cys876Arg (NM_001407659.1, NM_001407660.1, NM_001407661.1 and 1 more transcripts); c.2566T>C, p.Cys856Arg (NM_001407692.1, NM_001407694.1, NM_001407695.1 and 29 more transcripts); and 41 more; short protein forms C903R, C856R, C607R, C775R, C776R, C833R, C836R, C855R.
Identifiers: ClinVar variation 482896 (VCV000482896.8), dbSNP rs1555589103, ClinGen allele CA10596584.

ClinVar aggregate classification (germline): Conflicting classifications of pathogenicity. Review status: criteria provided, conflicting classifications (1 of 4 stars). 2 submissions from 2 submitters: Uncertain significance (1); Likely benign (1). Last evaluated 2023-03-23.

Conditions:
Hereditary cancer-predisposing syndrome. Also called: Neoplastic Syndromes, Hereditary; Tumor predisposition; Hereditary Cancer Syndrome; Hereditary neoplastic syndrome. Identifiers: Orphanet 140162, MedGen C0027672, MeSH D009386, MONDO:0015356.

Submissions (2):

University of Washington Department of Laboratory Medicine, University of Washington
Classification: Likely benign for Hereditary cancer-predisposing syndrome. Last evaluated: 2023-03-23. Review status: criteria provided, single submitter. Criteria: Dines et al. (Genet Med. 2020). Collection method: curation. Allele origin: germline.
Comment: Missense variant in a coldspot region where missense variants are very unlikely to be pathogenic (PMID:31911673).

BRCA1 coldspot (exon 11 using historical exon numbering). Reclassification based on statistical prior probability

Ambry Genetics
Classification: Uncertain significance for Hereditary cancer-predisposing syndrome. Last evaluated: 2016-02-26. Review status: criteria provided, single submitter. Criteria: Ambry Variant Classification Scheme 2023. Collection method: clinical testing. Allele origin: germline.
Comment: The p.C903R variant (also known as c.2707T>C), located in coding exon 9 of the BRCA1 gene, results from a T to C substitution at nucleotide position 2707. The cysteine at codon 903 is replaced by arginine, an amino acid with highly dissimilar properties. This variant was not reported in population based cohorts in the following databases: Database of Single Nucleotide Polymorphisms (dbSNP), NHLBI Exome Sequencing Project (ESP), and 1000 Genomes Project. In the ESP, this variant was not observed in 6503 samples (13006 alleles) with coverage at this position. To date, this alteration has been detected with an allele frequency of approximately 0.0004% (greater than 225000 alleles tested) in our clinical cohort. This amino acid position is poorly conserved in available vertebrate species. In addition, this alteration is predicted to be tolerated by in silico analysis. Since supporting evidence is limited at this time, the clinical significance of this alteration remains unclear.